The following is an entry in ClinVar:

NM_016553.5(NUP62):c.457A>G (p.Thr153Ala)

Genes: NUP62 (nucleoporin 62; minus strand), IL4I1 (interleukin 4 induced 1; minus strand). Cytogenetic location: 19q13.33.
Variant type: single nucleotide variant.
Coding change: c.457A>G on transcript NM_016553.5 (MANE Select); coding-DNA position 457, A replaced by G.
Protein change: p.Thr153Ala; replaces threonine 153 with alanine.
Molecular consequence: missense variant. On other transcripts: intron variant (3).
Genome position (GRCh38, 1-based): chr19:49,909,351, T>C on the plus strand (A>G on the coding strand, the complement: NUP62 is on the minus strand). VCF-style: chr19-49909351-T-C. GRCh37 (hg19) VCF-style: chr19-50412608-T-C.
Other names: c.457A>G, p.Thr153Ala (NM_001193357.2, NM_012346.5, NM_153718.4 and 1 more transcripts); c.-227-5030A>G (NM_001258017.2, NM_172374.3); c.-285-5030A>G (NM_001258018.2); short protein forms T153A.
Identifiers: ClinVar variation 2992040 (VCV002992040.3), dbSNP rs2075402227, ClinGen allele CA406927097.

ClinVar aggregate classification (germline): Uncertain significance (1 of 4 stars; one submission).

Allele frequency attached by ClinVar (database versions not stated): gnomAD exomes below 0.00001; gnomAD 0.00001.
gnomAD v4.1: 2 of 1,613,458 alleles (0.00012%); highest among the groups gnomAD compares: Admixed American, 0.0017%; no homozygotes.

Submission:

Labcorp Genetics (formerly Invitae), Labcorp
Classification: Uncertain significance. Last evaluated: 2024-05-23. Review status: criteria provided, single submitter. Criteria: Invitae Variant Classification Sherloc (09022015). Collection method: clinical testing. Allele origin: germline.
Comment: This sequence change replaces threonine, which is neutral and polar, with alanine, which is neutral and non-polar, at codon 153 of the NUP62 protein (p.Thr153Ala). This variant is not present in population databases (gnomAD no frequency). This variant has not been reported in the literature in individuals affected with NUP62-related conditions. An algorithm developed to predict the effect of missense changes on protein structure and function (PolyPhen-2) suggests that this variant is likely to be tolerated. In summary, the available evidence is currently insufficient to determine the role of this variant in disease. Therefore, it has been classified as a Variant of Uncertain Significance.